The following is an entry in ClinVar:

ClinVar aggregate classification (germline): Likely pathogenic (1 of 4 stars; one submission).

Conditions:
Vanishing white matter disease. Also called: CACH syndrome; Childhood ataxia with diffuse central nervous system hypomyelination; Leukoencephalopathy with vanishing white matter; CACH/VWM syndrome; Cree leukoencehalopathy. Identifiers: Orphanet 135, Orphanet 99853, MedGen C1858991, MONDO:0800448.

Submission:

Women's Health and Genetics/Laboratory Corporation of America, LabCorp
Classification: Likely pathogenic for Vanishing white matter disease. Last evaluated: 2024-07-15. Review status: criteria provided, single submitter. Criteria: LabCorp Variant Classification Summary - May 2015. Collection method: clinical testing. Allele origin: germline.
Comment: Variant summary: EIF2B5 c.806G>C (p.Arg269Pro) results in a non-conservative amino acid change in the encoded protein sequence. Four of five in-silico tools predict a damaging effect of the variant on protein function. The variant was absent in 251456 control chromosomes. c.806G>C has been reported in the literature in the compound heterozygous state in at least one individual affected with vanishing white matter disease (e.g. Slynko_2021). Different variants affecting the same codon have been classified as pathogenic (c.806G>A, (p.Arg269Gln & c.805C>G(p.Arg269Gly), supporting the critical relevance of codon 269 to EIF2B5 protein function. To our knowledge, no experimental evidence demonstrating an impact on protein function has been reported. The following publication have been ascertained in the context of this evaluation (PMID: 33432707). No submitters have cited clinical-significance assessments for this variant to ClinVar. Based on the evidence outlined above, the variant was classified as likely pathogenic.

Literature cited by the submitters: PubMed 33432707.

NM_003907.3(EIF2B5):c.806G>C (p.Arg269Pro)

Gene: EIF2B5 (eukaryotic translation initiation factor 2B subunit epsilon; plus strand). Cytogenetic location: 3q27.1.
Variant type: single nucleotide variant.
Coding change: c.806G>C on transcript NM_003907.3 (MANE Select); coding-DNA position 806, G replaced by C.
Protein change: p.Arg269Pro; replaces arginine 269 with proline.
Molecular consequence: missense variant.
Genome position (GRCh38, 1-based): chr3:184,140,120, G>C. VCF-style: chr3-184140120-G-C. GRCh37 (hg19) VCF-style: chr3-183857908-G-C.
Other names: short protein forms R269P.
Identifiers: ClinVar variation 3339493 (VCV003339493.1).